The following is an entry in ClinVar:

ClinVar aggregate classification (germline): Uncertain significance (1 of 4 stars; one submission).

gnomAD v4.1: 1 of 1,552,050 alleles (0.000064%); highest among the groups gnomAD compares: Admixed American, 0.002%; no homozygotes.

Submission:

Labcorp Genetics (formerly Invitae), Labcorp
Classification: Uncertain significance. Last evaluated: 2025-09-10. Review status: criteria provided, single submitter. Criteria: Invitae Variant Classification Sherloc (09022015). Collection method: clinical testing. Allele origin: germline.
Comment: This sequence change replaces valine, which is neutral and non-polar, with leucine, which is neutral and non-polar, at codon 346 of the DTHD1 protein (p.Val346Leu). This variant is not present in population databases (gnomAD no frequency). This variant has not been reported in the literature in individuals affected with DTHD1-related conditions. ClinVar contains an entry for this variant (Variation ID: 1037022). An algorithm developed to predict the effect of missense changes on protein structure and function (PolyPhen-2) suggests that this variant is likely to be disruptive. In summary, the available evidence is currently insufficient to determine the role of this variant in disease. Therefore, it has been classified as a Variant of Uncertain Significance.

NM_001170700.3(DTHD1):c.1906G>C (p.Val636Leu)

Gene: DTHD1 (death domain containing 1; plus strand). Cytogenetic location: 4p14.
Variant type: single nucleotide variant.
Coding change: c.1906G>C on transcript NM_001170700.3 (MANE Select); coding-DNA position 1906, G replaced by C.
Protein change: p.Val636Leu; replaces valine 636 with leucine.
Molecular consequence: missense variant. On other transcripts: non-coding transcript variant (2).
Genome position (GRCh38, 1-based): chr4:36,308,304, G>C. VCF-style: chr4-36308304-G-C. GRCh37 (hg19) VCF-style: chr4-36309926-G-C.
Other names: c.1036G>C, p.Val346Leu (NM_001136536.5); c.973G>C, p.Val325Leu (NM_001378435.1); short protein forms V325L, V346L, V636L.
Identifiers: ClinVar variation 1037022 (VCV001037022.8), dbSNP rs1757175669, ClinGen allele CA356680874.